The following is an entry in ClinVar:

ClinVar aggregate classification (germline): Uncertain significance. Review status: criteria provided, multiple submitters, no conflicts (2 of 4 stars). 2 submissions from 2 submitters: Uncertain significance (2). Last evaluated 2025-04-07.

Conditions:
CAMK2B-related disorder. Also called: CAMK2B-related condition.

gnomAD v4.1: 6 of 1,609,272 alleles (0.00037%); highest among the groups gnomAD compares: South Asian, 0.0033%; no homozygotes.

Submissions (2):

PreventionGenetics, part of Exact Sciences
Classification: Uncertain significance for CAMK2B-related condition. Last evaluated: 2025-04-07. Review status: criteria provided, single submitter. Criteria: ACMG Guidelines, 2015. Collection method: clinical testing. Allele origin: germline.
Comment: The CAMK2B c.1340C>A variant is predicted to result in the amino acid substitution p.Ser447Tyr. To our knowledge, this variant has not been reported in the literature or in a large population database (gnomAD). At this time, the clinical significance of this variant is uncertain due to the absence of conclusive functional and genetic evidence.

Labcorp Genetics (formerly Invitae), Labcorp
Classification: Uncertain significance. Last evaluated: 2021-10-25. Review status: criteria provided, single submitter. Criteria: Invitae Variant Classification Sherloc (09022015). Collection method: clinical testing. Allele origin: germline.
Comment: In summary, the available evidence is currently insufficient to determine the role of this variant in disease. Therefore, it has been classified as a Variant of Uncertain Significance. Algorithms developed to predict the effect of missense changes on protein structure and function are either unavailable or do not agree on the potential impact of this missense change (SIFT: "Deleterious"; PolyPhen-2: "Benign"; Align-GVGD: "Class C15"). This variant has not been reported in the literature in individuals affected with CAMK2B-related conditions. This variant is not present in population databases (ExAC no frequency). This sequence change replaces serine with tyrosine at codon 447 of the CAMK2B protein (p.Ser447Tyr). The serine residue is moderately conserved and there is a large physicochemical difference between serine and tyrosine.

NM_001220.5(CAMK2B):c.1340C>A (p.Ser447Tyr)

Gene: CAMK2B (calcium/calmodulin dependent protein kinase II beta; minus strand). Cytogenetic location: 7p13.
Variant type: single nucleotide variant.
Coding change: c.1340C>A on transcript NM_001220.5 (MANE Select); coding-DNA position 1340, C replaced by A.
Protein change: p.Ser447Tyr; replaces serine 447 with tyrosine.
Molecular consequence: missense variant. On other transcripts: intron variant (8).
Genome position (GRCh38, 1-based): chr7:44,228,924, G>T on the plus strand (C>A on the coding strand, the complement: CAMK2B is on the minus strand). VCF-style: chr7-44228924-G-T. GRCh37 (hg19) VCF-style: chr7-44268523-G-T.
Other names: c.1340C>A (NM_001220.4); c.947-8023C>A (NM_172084.3); c.1150+2082C>A (NM_172080.3); c.1036+2082C>A (NM_172083.3); c.1108+2082C>A (NM_172081.3); c.1153+2082C>A (NM_172079.3, NM_172082.3); c.1225+2082C>A (NM_001293170.2, NM_172078.3); short protein forms S447Y.
Identifiers: ClinVar variation 1447232 (VCV001447232.7), dbSNP rs773750991, ClinGen allele CA367373365.